The following is an entry in ClinVar:

NM_021815.5(SLC5A7):c.321T>C (p.Arg107=)

Gene: SLC5A7 (solute carrier family 5 member 7; plus strand). Cytogenetic location: 2q12.3.
Variant type: single nucleotide variant.
Coding change: c.321T>C on transcript NM_021815.5 (MANE Select); coding-DNA position 321, T replaced by C.
Protein change: p.Arg107=; no amino-acid change (arginine 107 retained).
Molecular consequence: synonymous variant. On other transcripts: 5 prime UTR variant (1).
Genome position (GRCh38, 1-based): chr2:107,993,000, T>C. VCF-style: chr2-107993000-T-C. GRCh37 (hg19) VCF-style: chr2-108609456-T-C.
Other names: c.321T>C, p.Arg107= (NM_001305005.3); c.6T>C, p.Arg2= (NM_001305006.3); c.-384T>C (NM_001305007.3); c.321T>C (NM_021815.4).
Identifiers: ClinVar variation 1657434 (VCV001657434.10), dbSNP rs759885480, ClinGen allele CA1818932.
Genomic context (GRCh38, chr2:107,993,000, plus strand): 5'-TATTTTCTCCTAAACAGTTGCTTAATTTTTAGGTGGCCTGTTCTTTGCAAAACCTATGCG[T>C]TCAAAGGGGTATGTGACCATGTTAGACCCGTTTCAGCAAATCTATGGAAAACGCATGGGC-3'
Protein context (NP_068587.1, residues 97-117): LGGLFFAKPM[Arg107=]SKGYVTMLDP

ClinVar aggregate classification (germline): Likely benign. Review status: criteria provided, single submitter (1 of 4 stars). 2 submissions from 2 submitters: Likely benign (1). 1 of the submissions does not count toward it. Last evaluated 2024-01-24.

Conditions:
SLC5A7-related disorder. Also called: SLC5A7-related condition.
Neuronopathy, distal hereditary motor, type 7A. Also called: Neuronopathy, distal hereditary motor, type viia; HARPER-YOUNG MYOPATHY; HMN VIIA; NEURONOPATHY, DISTAL HEREDITARY MOTOR, HARDING TYPE VIIA; NEUROPATHY, DISTAL HEREDITARY MOTOR, HARDING TYPE VIIA; Neuronopathy, distal hereditary motor, autosomal dominant 7. Identifiers: Orphanet 139589, MedGen C1834703, MONDO:0008024, OMIM 158580.
Congenital myasthenic syndrome 20. Also called: Myasthenic syndrome, congenital, 20, presynaptic. Identifiers: MedGen C4310694, MONDO:0014939, OMIM 617143.

Allele frequency attached by ClinVar (database versions not stated): gnomAD 0.00001; gnomAD exomes 0.00001 and 0.00002; ExAC 0.00001; TOPMed 0.00002.
gnomAD v4.1: 27 of 1,614,102 alleles (0.0017%); highest among the groups gnomAD compares: Non-Finnish European, 0.0022%; no homozygotes.

Submissions (2):

Labcorp Genetics (formerly Invitae), Labcorp
Classification: Likely benign for Neuronopathy, distal hereditary motor, type 7A; Congenital myasthenic syndrome 20. Last evaluated: 2024-01-24. Review status: criteria provided, single submitter. Criteria: Invitae Variant Classification Sherloc (09022015). Collection method: clinical testing. Allele origin: germline.

PreventionGenetics, part of Exact Sciences
Classification: Likely benign for SLC5A7-related condition. Last evaluated: 2019-05-20. Review status: no assertion criteria provided. Collection method: clinical testing. Allele origin: germline. Not counted in ClinVar's aggregate classification.
Comment: This variant is classified as likely benign based on ACMG/AMP sequence variant interpretation guidelines (Richards et al. 2015 PMID: 25741868, with internal and published modifications).